The following is an entry in ClinVar:

NM_033056.4(PCDH15):c.5335C>T (p.Pro1779Ser)

Gene: PCDH15 (protocadherin related 15; minus strand). Cytogenetic location: 10q21.1.
Variant type: single nucleotide variant.
Coding change: c.5335C>T on transcript NM_033056.4 (MANE Plus Clinical); coding-DNA position 5335, C replaced by T.
Protein change: p.Pro1779Ser; replaces proline 1779 with serine.
Molecular consequence: missense variant. On other transcripts: intron variant (8).
Genome position (GRCh38, 1-based): chr10:53,822,391, G>A on the plus strand (C>T on the coding strand, the complement: PCDH15 is on the minus strand). VCF-style: chr10-53822391-G-A. GRCh37 (hg19) VCF-style: chr10-55582151-G-A.
Other names: c.4367+5002C>T (NM_001354420.2); c.4368-4378C>T (NM_001354429.2); c.4368-2161C>T (NM_001384140.1); c.4373+2745C>T (NM_001142772.2, NM_001142770.3); c.4388+2745C>T (NM_001142771.2); c.4388+5002C>T (NM_001354411.2); c.4409+2745C>T (NM_001142769.3); c.5356C>T, p.Pro1786Ser (NM_001142763.2); and 7 more; short protein forms P1710S, P1739S, P1756S, P1757S, P1759S, P1776S, P1779S, P1781S.
Identifiers: ClinVar variation 1059676 (VCV001059676.8), dbSNP rs1421385928, ClinGen allele CA376525139.

ClinVar aggregate classification (germline): Uncertain significance. Review status: criteria provided, multiple submitters, no conflicts (2 of 4 stars). 3 submissions from 3 submitters: Uncertain significance (2). 1 of the submissions does not count toward it. Last evaluated 2024-02-24.

Conditions:
Usher syndrome type 1F (USH1F). Also called: USHER SYNDROME, TYPE IF. Identifiers: Orphanet 231169, Orphanet 886, MedGen C1865885, MONDO:0011186, OMIM 602083.

Allele frequency attached by ClinVar (database versions not stated): gnomAD 0.00003; gnomAD exomes 0.00001 and 0.00002.
gnomAD v4.1: 22 of 1,570,548 alleles (0.0014%); highest among the groups gnomAD compares: Admixed American, 0.0019%; no homozygotes.

Submissions (3):

Labcorp Genetics (formerly Invitae), Labcorp
Classification: Uncertain significance. Last evaluated: 2024-02-24. Review status: criteria provided, single submitter. Criteria: Invitae Variant Classification Sherloc (09022015). Collection method: clinical testing. Allele origin: germline.
Comment: This sequence change replaces proline, which is neutral and non-polar, with serine, which is neutral and polar, at codon 1779 of the PCDH15 protein (p.Pro1779Ser). This variant is present in population databases (no rsID available, gnomAD 0.006%). This variant has not been reported in the literature in individuals affected with PCDH15-related conditions. ClinVar contains an entry for this variant (Variation ID: 1059676). Algorithms developed to predict the effect of missense changes on protein structure and function output the following: SIFT: "Not Available"; PolyPhen-2: "Not Available"; Align-GVGD: "Not Available". The serine amino acid residue is found in multiple mammalian species, which suggests that this missense change does not adversely affect protein function. In summary, the available evidence is currently insufficient to determine the role of this variant in disease. Therefore, it has been classified as a Variant of Uncertain Significance.

Breakthrough Genomics
Classification: Uncertain significance. Review status: criteria provided, single submitter. Criteria: ACMG Guidelines, 2015. Collection method: not provided. Allele origin: germline. Inheritance: Autosomal recessive inheritance. Affected: yes.

Natera, Inc.
Classification: Uncertain significance for Usher syndrome type 1F. Last evaluated: 2020-02-13. Review status: no assertion criteria provided. Collection method: clinical testing. Allele origin: germline. Not counted in ClinVar's aggregate classification.